The following is an entry in ClinVar:

NM_206933.4(USH2A):c.6671del (p.Gly2224fs)

Gene: USH2A (usherin; minus strand). Cytogenetic location: 1q41.
Variant type: Deletion.
Coding change: c.6671del on transcript NM_206933.4 (MANE Select); coding-DNA position 6671, one base deleted (G; older notation c.6671delG).
Protein change: p.Gly2224fs; shifts the reading frame from glycine 2224.
Molecular consequence: frameshift variant.
Genome position (GRCh38, 1-based): chr1:215,993,154, C deleted on the plus strand (G on the coding strand, the reverse complement: USH2A is on the minus strand); the first of 2 consecutive C bases (chr1:215,993,154-215,993,155); deleting either gives the same sequence. VCF-style (leftmost placement, unchanged base first): chr1-215993153-AC-A. GRCh37 (hg19) VCF-style: chr1-216166495-AC-A.
Other names: short protein forms G2224fs.
Identifiers: ClinVar variation 3645078 (VCV003645078.2).

ClinVar aggregate classification (germline): Pathogenic (1 of 4 stars; one submission).

Submission:

Labcorp Genetics (formerly Invitae), Labcorp
Classification: Pathogenic. Last evaluated: 2025-11-05. Review status: criteria provided, single submitter. Criteria: Invitae Variant Classification Sherloc (09022015). Collection method: clinical testing. Allele origin: germline.
Comment: This sequence change creates a premature translational stop signal (p.Gly2224Valfs*5) in the USH2A gene. It is expected to result in an absent or disrupted protein product. Loss-of-function variants in USH2A are known to be pathogenic (PMID: 10729113, 10909849, 20507924, 25649381). This variant is not present in population databases (gnomAD no frequency). This variant has not been reported in the literature in individuals affected with USH2A-related conditions. ClinVar contains an entry for this variant (Variation ID: 3645078). For these reasons, this variant has been classified as Pathogenic.

Literature cited by the submitters: PubMed 10729113; PubMed 10909849; PubMed 20507924; PubMed 25649381.